The following is an entry in ClinVar:

NM_001164508.2(NEB):c.9181A>T (p.Met3061Leu)

Gene: NEB (nebulin; minus strand). Cytogenetic location: 2q23.3.
Variant type: single nucleotide variant.
Coding change: c.9181A>T on transcript NM_001164508.2 (MANE Select); coding-DNA position 9181, A replaced by T.
Protein change: p.Met3061Leu; replaces methionine 3061 with leucine.
Molecular consequence: missense variant. On other transcripts: intron variant (1).
Genome position (GRCh38, 1-based): chr2:151,633,887, T>A on the plus strand (A>T on the coding strand, the complement: NEB is on the minus strand). VCF-style: chr2-151633887-T-A. GRCh37 (hg19) VCF-style: chr2-152490401-T-A.
Other names: c.9181A>T, p.Met3061Leu (NM_001164507.2, NM_001271208.2); c.8854-2709A>T (NM_004543.5); short protein forms M3061L.
Identifiers: ClinVar variation 450097 (VCV000450097.23), dbSNP rs143473183, ClinGen allele CA1909383.
Genomic context (GRCh38, chr2:151,633,887, plus strand): 5'-TCTCAAAGTCCTTTTTGTACTCCCTGTCACTCTGGATCTTGGCTACGTGCATGGACCACA[T>A]CATCTTGGGGTCATCTTCAATGTTCCGGGCTCCAATATGGTGGCCAAGTTGCTTGCAGTA-3'
Protein context (NP_001157980.2, residues 3051-3071): ARNIEDDPKM[Met3061Leu]WSMHVAKIQS

ClinVar aggregate classification (germline): Conflicting classifications of pathogenicity. Review status: criteria provided, conflicting classifications (1 of 4 stars). 6 submissions from 6 submitters: Uncertain significance (2); Likely benign (2). 2 of the submissions do not count toward it. Last evaluated 2026-01-28.

Conditions:
Nemaline myopathy 2 (NEM2). Also called: Nemaline myopathy 2, autosomal recessive. Identifiers: MedGen C1850569, MONDO:0009725, OMIM 256030.
NEB-related disorder. Also called: NEB-related condition; NEB-Related Disorders.

Allele frequency attached by ClinVar (database versions not stated): ExAC 0.00039; ESP Exome Variant Server 0.00110; 1000 Genomes Project 0.00120; 1000 Genomes Project 30x 0.00125; TOPMed 0.00145; gnomAD 0.00151 and 0.00158.
gnomAD v4.1: 436 of 1,613,996 alleles (0.027%); highest among the groups gnomAD compares: African/African-American, 0.51%; 1 homozygote.

Submissions (6):

Labcorp Genetics (formerly Invitae), Labcorp
Classification: Likely benign for Nemaline myopathy 2. Last evaluated: 2026-01-28. Review status: criteria provided, single submitter. Criteria: Invitae Variant Classification Sherloc (09022015). Collection method: clinical testing. Allele origin: germline.

Revvity Omics, Revvity
Classification: Uncertain significance. Last evaluated: 2019-08-07. Review status: criteria provided, single submitter. Criteria: ACMG Guidelines, 2015. Collection method: clinical testing. Allele origin: germline.

Athena Diagnostics
Classification: Uncertain significance. Last evaluated: 2018-07-20. Review status: criteria provided, single submitter. Criteria: Athena Diagnostics Criteria. Collection method: clinical testing. Allele origin: germline.

GeneDx
Classification: Likely benign. Last evaluated: 2018-05-21. Review status: criteria provided, single submitter. Criteria: GeneDx Variant Classification Process June 2021. Collection method: clinical testing. Allele origin: germline. Affected: yes.

PreventionGenetics, part of Exact Sciences
Classification: Likely benign for NEB-related condition. Last evaluated: 2020-06-08. Review status: no assertion criteria provided. Collection method: clinical testing. Allele origin: germline. Not counted in ClinVar's aggregate classification.
Comment: This variant is classified as likely benign based on ACMG/AMP sequence variant interpretation guidelines (Richards et al. 2015 PMID: 25741868, with internal and published modifications).

Natera, Inc.
Classification: Uncertain significance for Nemaline myopathy type 2. Last evaluated: 2020-01-17. Review status: no assertion criteria provided. Collection method: clinical testing. Allele origin: germline. Not counted in ClinVar's aggregate classification.